The following is an entry in ClinVar:

ClinVar aggregate classification (germline): Uncertain significance (1 of 4 stars; one submission).

Conditions:
Peroxisome biogenesis disorder 3A (Zellweger). Also called: PEROXISOMAL BIOGENESIS DISORDER 3A (ZELLWEGER); Peroxisome biogenesis disorder 3A. Identifiers: Orphanet 912, MedGen C3553929, MONDO:0013927, OMIM 614859.

Allele frequency attached by ClinVar (database versions not stated): gnomAD exomes below 0.00001 and 0.00001; ExAC 0.00002; gnomAD 0.00002; TOPMed 0.00002.

Submission:

Labcorp Genetics (formerly Invitae), Labcorp
Classification: Uncertain significance for Peroxisome biogenesis disorder 3A (Zellweger). Last evaluated: 2022-06-04. Review status: criteria provided, single submitter. Criteria: Invitae Variant Classification Sherloc (09022015). Collection method: clinical testing. Allele origin: germline.
Comment: This sequence change replaces arginine, which is basic and polar, with lysine, which is basic and polar, at codon 34 of the PEX12 protein (p.Arg34Lys). This variant is present in population databases (rs770777877, gnomAD 0.01%). This variant has not been reported in the literature in individuals affected with PEX12-related conditions. ClinVar contains an entry for this variant (Variation ID: 1395983). Algorithms developed to predict the effect of missense changes on protein structure and function (SIFT, PolyPhen-2, Align-GVGD) all suggest that this variant is likely to be tolerated. In summary, the available evidence is currently insufficient to determine the role of this variant in disease. Therefore, it has been classified as a Variant of Uncertain Significance.

NM_000286.3(PEX12):c.101G>A (p.Arg34Lys)

Gene: PEX12 (peroxisomal biogenesis factor 12; minus strand). Cytogenetic location: 17q12.
Variant type: single nucleotide variant.
Coding change: c.101G>A on transcript NM_000286.3 (MANE Select); coding-DNA position 101, G replaced by A.
Protein change: p.Arg34Lys; replaces arginine 34 with lysine.
Molecular consequence: missense variant.
Genome position (GRCh38, 1-based): chr17:35,577,921, C>T on the plus strand (G>A on the coding strand, the complement: PEX12 is on the minus strand). VCF-style: chr17-35577921-C-T. GRCh37 (hg19) VCF-style: chr17-33904940-C-T.
Other names: short protein forms R34K.
Identifiers: ClinVar variation 1395983 (VCV001395983.5), dbSNP rs770777877, ClinGen allele CA8504985.